The following is an entry in ClinVar:

NM_005529.7(HSPG2):c.6307C>T (p.Arg2103Trp)

Gene: HSPG2 (heparan sulfate proteoglycan 2; minus strand). Cytogenetic location: 1p36.12.
Variant type: single nucleotide variant.
Coding change: c.6307C>T on transcript NM_005529.7 (MANE Select); coding-DNA position 6307, C replaced by T.
Protein change: p.Arg2103Trp; replaces arginine 2103 with tryptophan.
Molecular consequence: missense variant.
Genome position (GRCh38, 1-based): chr1:21,854,325, G>A on the plus strand (C>T on the coding strand, the complement: HSPG2 is on the minus strand). VCF-style: chr1-21854325-G-A. GRCh37 (hg19) VCF-style: chr1-22180818-G-A.
Other names: c.6310C>T, p.Arg2104Trp (NM_001291860.2); c.6307C>T (NM_005529.5); short protein forms R2104W, R2103W.
Identifiers: ClinVar variation 1419790 (VCV001419790.7), dbSNP rs755167311, ClinGen allele CA671594.
Genomic context (GRCh38, chr1:21,854,325, plus strand): 5'-ATCCATTCTCCACACGGCACACATATTCTCCAGAATCAGCTGGTGAGACCTGGGGGAGCC[G>A]CAGACGGGAGCCGTGCACCTGGGCCAGGAGGAGCCAGAGGTACGTGAGGACAGGGACGGG-3'
Protein context (NP_005520.4, residues 2093-2113): PHTQVHGSRL[Arg2103Trp]LPQVSPADSG

ClinVar aggregate classification (germline): Uncertain significance. Review status: criteria provided, multiple submitters, no conflicts (2 of 4 stars). 3 submissions from 3 submitters: Uncertain significance (3). Last evaluated 2025-05-19.

Conditions:
Connective tissue disorder. Also called: Connective tissue disease. Identifiers: MedGen C0009782, MONDO:0003900.
Inborn genetic diseases. Identifiers: MedGen C0950123, MeSH D030342.

Allele frequency attached by ClinVar (database versions not stated): gnomAD exomes 0.00001 and 0.00002; TOPMed 0.00003; gnomAD 0.00001 and 0.00002.
gnomAD v4.1: 21 of 1,570,636 alleles (0.0013%); highest among the groups gnomAD compares: South Asian, 0.012%; no homozygotes.

Submissions (3):

Ambry Genetics
Classification: Uncertain significance for Inborn genetic diseases. Last evaluated: 2025-05-19. Review status: criteria provided, single submitter. Criteria: Ambry Variant Classification Scheme 2023. Collection method: clinical testing. Allele origin: germline.

Labcorp Genetics (formerly Invitae), Labcorp
Classification: Uncertain significance. Last evaluated: 2021-10-27. Review status: criteria provided, single submitter. Criteria: Invitae Variant Classification Sherloc (09022015). Collection method: clinical testing. Allele origin: germline.
Comment: This sequence change replaces arginine, a(n) basic and polar amino acid, with tryptophan, a(n) neutral and slightly polar amino acid, at codon 2103 of the HSPG2 protein (p.Arg2103Trp). The frequency data for this variant in the population databases is considered unreliable, as metrics indicate poor data quality at this position in the gnomAD database. This variant has not been reported in the literature in individuals affected with HSPG2-related conditions. Algorithms developed to predict the effect of missense changes on protein structure and function are either unavailable or do not agree on the potential impact of this missense change (SIFT: "Deleterious"; PolyPhen-2: "Probably Damaging"; Align-GVGD: "Class C0"). In summary, the available evidence is currently insufficient to determine the role of this variant in disease. Therefore, it has been classified as a Variant of Uncertain Significance.

Genome Diagnostics Laboratory, The Hospital for Sick Children
Classification: Uncertain significance for Connective tissue disorder. Last evaluated: 2018-10-01. Review status: criteria provided, single submitter. Criteria: ACMG Guidelines, 2015. Collection method: clinical testing. Allele origin: germline.